The following is an entry in ClinVar:

ClinVar aggregate classification (germline): Uncertain significance. Review status: criteria provided, multiple submitters, no conflicts (2 of 4 stars). 2 submissions from 2 submitters: Uncertain significance (2). Last evaluated 2026-03-09.

Conditions:
Familial encephalopathy with neuroserpin inclusion bodies. Also called: ENCEPHALOPATHY, FAMILIAL, WITH COLLINS BODIES. Identifiers: Orphanet 85110, MedGen C1858680, MONDO:0011412, OMIM 604218.

Allele frequency attached by ClinVar (database versions not stated): gnomAD 0.00001; gnomAD exomes 0.00001 and 0.00002; ExAC 0.00002; TOPMed 0.00002; 1000 Genomes Project 0.00020; 1000 Genomes Project 30x 0.00062.
gnomAD v4.1: 9 of 1,614,140 alleles (0.00056%); highest among the groups gnomAD compares: Non-Finnish European, 0.00076%; no homozygotes.

Submissions (2):

Women's Health and Genetics/Laboratory Corporation of America, LabCorp
Classification: Uncertain significance. Last evaluated: 2026-03-09. Review status: criteria provided, single submitter. Criteria: LabCorp Variant Classification Summary - May 2015. Collection method: clinical testing. Allele origin: germline.
Comment: Variant summary: SERPINI1 c.20T>C (p.Phe7Ser) results in a non-conservative amino acid change in the encoded protein sequence. Algorithms developed to predict the effect of missense changes on protein structure and function are either unavailable or do not agree on the potential impact of this missense change. The variant allele was found at a frequency of 2e-05 in 251388 control chromosomes. The available data on variant occurrences in the general population are insufficient to allow any conclusion about variant significance. To our knowledge, no occurrence of c.20T>C in individuals affected with SERPINI1-related conditions and no experimental evidence demonstrating its impact on protein function have been reported. ClinVar contains an entry for this variant (Variation ID: 1391490). Based on the evidence outlined above, the variant was classified as uncertain significance.

Labcorp Genetics (formerly Invitae), Labcorp
Classification: Uncertain significance for Familial encephalopathy with neuroserpin inclusion bodies. Last evaluated: 2022-07-19. Review status: criteria provided, single submitter. Criteria: Invitae Variant Classification Sherloc (09022015). Collection method: clinical testing. Allele origin: germline.
Comment: This variant is present in population databases (rs191197474, gnomAD 0.01%). In summary, the available evidence is currently insufficient to determine the role of this variant in disease. Therefore, it has been classified as a Variant of Uncertain Significance. Advanced modeling of protein sequence and biophysical properties (such as structural, functional, and spatial information, amino acid conservation, physicochemical variation, residue mobility, and thermodynamic stability) performed at Invitae indicates that this missense variant is not expected to disrupt SERPINI1 protein function. ClinVar contains an entry for this variant (Variation ID: 1391490). This variant has not been reported in the literature in individuals affected with SERPINI1-related conditions. This sequence change replaces phenylalanine, which is neutral and non-polar, with serine, which is neutral and polar, at codon 7 of the SERPINI1 protein (p.Phe7Ser).

NM_001122752.2(SERPINI1):c.20T>C (p.Phe7Ser)

Gene: SERPINI1 (serpin family I member 1; plus strand). Cytogenetic location: 3q26.1.
Variant type: single nucleotide variant.
Coding change: c.20T>C on transcript NM_001122752.2 (MANE Select); coding-DNA position 20, T replaced by C.
Protein change: p.Phe7Ser; replaces phenylalanine 7 with serine.
Molecular consequence: missense variant.
Genome position (GRCh38, 1-based): chr3:167,789,148, T>C. VCF-style: chr3-167789148-T-C. GRCh37 (hg19) VCF-style: chr3-167506936-T-C.
Other names: c.20T>C, p.Phe7Ser (NM_005025.5); short protein forms F7S.
Identifiers: ClinVar variation 1391490 (VCV001391490.9), dbSNP rs191197474, ClinGen allele CA2694708.